The following is an entry in ClinVar:

ClinVar aggregate classification (germline): Uncertain significance. Review status: criteria provided, multiple submitters, no conflicts (2 of 4 stars). 3 submissions from 3 submitters: Uncertain significance (3). Last evaluated 2025-07-21.

Conditions:
Hereditary cancer-predisposing syndrome. Also called: Tumor predisposition; Neoplastic Syndromes, Hereditary; Hereditary Cancer Syndrome; Hereditary neoplastic syndrome. Identifiers: Orphanet 140162, MedGen C0027672, MeSH D009386, MONDO:0015356.
Familial cancer of breast. Also called: BREAST CANCER, FAMILIAL; Hereditary breast cancer; hereditary breast carcinoma. Identifiers: Orphanet 227535, MedGen C0346153, MONDO:0016419, OMIM 114480. Disease mechanism: loss of function.
Fanconi anemia complementation group J. Also called: BRIP1-Related Fanconi Anemia. Identifiers: Orphanet 84, MedGen C1836860, MONDO:0012187, OMIM 609054.

Submissions (3):

Ambry Genetics
Classification: Uncertain significance for Hereditary cancer-predisposing syndrome. Last evaluated: 2025-07-21. Review status: criteria provided, single submitter. Criteria: Ambry Variant Classification Scheme 2023. Collection method: clinical testing. Allele origin: germline.
Comment: The p.K1235E variant (also known as c.3703A>G), located in coding exon 19 of the BRIP1 gene, results from an A to G substitution at nucleotide position 3703. The lysine at codon 1235 is replaced by glutamic acid, an amino acid with similar properties. This amino acid position is well conserved in available vertebrate species. In addition, this alteration is predicted to be tolerated by in silico analysis. Based on the available evidence, the clinical significance of this variant remains unclear.

Color Diagnostics, LLC DBA Color Health
Classification: Uncertain significance for Hereditary cancer-predisposing syndrome. Last evaluated: 2023-12-05. Review status: criteria provided, single submitter. Criteria: ACMG Guidelines, 2015. Collection method: clinical testing. Allele origin: germline.
Comment: This missense variant replaces lysine with glutamic acid at codon 1235 of the BRIP1 protein. Computational prediction suggests that this variant may not impact protein structure and function (internally defined REVEL score threshold <= 0.5, PMID: 27666373). To our knowledge, functional studies have not been reported for this variant. This variant has not been reported in individuals affected with BRIP1-related disorders in the literature. This variant has not been identified in the general population by the Genome Aggregation Database (gnomAD). The available evidence is insufficient to determine the role of this variant in disease conclusively. Therefore, this variant is classified as a Variant of Uncertain Significance.

Labcorp Genetics (formerly Invitae), Labcorp
Classification: Uncertain significance for Familial cancer of breast; Fanconi anemia complementation group J. Last evaluated: 2021-08-27. Review status: criteria provided, single submitter. Criteria: Invitae Variant Classification Sherloc (09022015). Collection method: clinical testing. Allele origin: germline.
Comment: This sequence change replaces lysine with glutamic acid at codon 1235 of the BRIP1 protein (p.Lys1235Glu). The lysine residue is weakly conserved and there is a small physicochemical difference between lysine and glutamic acid. This variant is not present in population databases (ExAC no frequency). This variant has not been reported in the literature in individuals affected with BRIP1-related conditions. Algorithms developed to predict the effect of missense changes on protein structure and function output the following: SIFT: "Tolerated"; PolyPhen-2: "Benign"; Align-GVGD: "Class C0". The glutamic acid amino acid residue is found in multiple mammalian species, which suggests that this missense change does not adversely affect protein function. In summary, the available evidence is currently insufficient to determine the role of this variant in disease. Therefore, it has been classified as a Variant of Uncertain Significance.

NM_032043.3(BRIP1):c.3703A>G (p.Lys1235Glu)

Gene: BRIP1 (BRCA1 interacting DNA helicase 1; minus strand). Cytogenetic location: 17q23.2.
Variant type: single nucleotide variant.
Coding change: c.3703A>G on transcript NM_032043.3 (MANE Select); coding-DNA position 3703, A replaced by G.
Protein change: p.Lys1235Glu; replaces lysine 1235 with glutamic acid.
Molecular consequence: missense variant.
Genome position (GRCh38, 1-based): chr17:61,683,343, T>C on the plus strand (A>G on the coding strand, the complement: BRIP1 is on the minus strand). VCF-style: chr17-61683343-T-C. GRCh37 (hg19) VCF-style: chr17-59760704-T-C.
Other names: short protein forms K1235E.
Identifiers: ClinVar variation 627791 (VCV000627791.14), dbSNP rs1567727245, ClinGen allele CA400477787.